The following is an entry in ClinVar:

NM_001298.3(CNGA3):c.1441C>A (p.Arg481Ser)

Gene: CNGA3 (cyclic nucleotide gated channel subunit alpha 3; plus strand). Cytogenetic location: 2q11.2.
Variant type: single nucleotide variant.
Coding change: c.1441C>A on transcript NM_001298.3 (MANE Select); coding-DNA position 1441, C replaced by A.
Protein change: p.Arg481Ser; replaces arginine 481 with serine.
Molecular consequence: missense variant.
Genome position (GRCh38, 1-based): chr2:98,396,611, C>A. VCF-style: chr2-98396611-C-A. GRCh37 (hg19) VCF-style: chr2-99013074-C-A.
Other names: c.1387C>A, p.Arg463Ser (NM_001079878.2); short protein forms R463S, R481S.
Identifiers: ClinVar variation 1396466 (VCV001396466.6), dbSNP rs751916521, ClinGen allele CA347833566.
Genomic context (GRCh38, chr2:98,396,611, plus strand): 5'-CCAGACAAGCTGAAGGCTGAGATCGCCATCAACGTGCACCTGGACACGCTGAAGAAGGTT[C>A]GCATCTTCCAGGACTGTGAGGCAGGGCTGCTGGTGGAGCTGGTGCTGAAGCTGCGACCCA-3'
Protein context (NP_001289.1, residues 471-491): NVHLDTLKKV[Arg481Ser]IFQDCEAGLL

ClinVar aggregate classification (germline): Uncertain significance (1 of 4 stars; one submission).

gnomAD v4.1: 3 of 1,613,892 alleles (0.00019%); highest among the groups gnomAD compares: Admixed American, 0.0033%; no homozygotes.

Submission:

Labcorp Genetics (formerly Invitae), Labcorp
Classification: Uncertain significance. Last evaluated: 2021-12-06. Review status: criteria provided, single submitter. Criteria: Invitae Variant Classification Sherloc (09022015). Collection method: clinical testing. Allele origin: germline.
Comment: This sequence change replaces arginine, which is basic and polar, with serine, which is neutral and polar, at codon 481 of the CNGA3 protein (p.Arg481Ser). This variant is present in population databases (no rsID available, gnomAD 0.006%). This variant has not been reported in the literature in individuals affected with CNGA3-related conditions. Advanced modeling of protein sequence and biophysical properties (such as structural, functional, and spatial information, amino acid conservation, physicochemical variation, residue mobility, and thermodynamic stability) performed at Invitae indicates that this missense variant is expected to disrupt CNGA3 protein function. In summary, the available evidence is currently insufficient to determine the role of this variant in disease. Therefore, it has been classified as a Variant of Uncertain Significance.